The following is an entry in ClinVar:

NM_001267550.2(TTN):c.39057G>A (p.Pro13019=)

Gene: TTN (titin; minus strand). Cytogenetic location: 2q31.2.
Variant type: single nucleotide variant.
Coding change: c.39057G>A on transcript NM_001267550.2 (MANE Select); coding-DNA position 39057, G replaced by A.
Protein change: p.Pro13019=; no amino-acid change (proline 13019 retained).
Molecular consequence: synonymous variant. On other transcripts: intron variant (3).
Genome position (GRCh38, 1-based): chr2:178,652,528, C>T on the plus strand (G>A on the coding strand, the complement: TTN is on the minus strand). VCF-style: chr2-178652528-C-T. GRCh37 (hg19) VCF-style: chr2-179517255-C-T.
Other names: c.13283-10211G>A (NM_003319.4); c.13859-10211G>A (NM_133437.4); c.13658-10211G>A (NM_133432.3); c.39057G>A (NM_001267550.1); c.34536G>A, p.Pro11512= (NM_001256850.1); c.31755G>A, p.Pro10585= (NM_133378.4).
Identifiers: ClinVar variation 166092 (VCV000166092.23), dbSNP rs371945519, ClinGen allele CA178883.

ClinVar aggregate classification (germline): Benign/Likely benign. Review status: criteria provided, multiple submitters, no conflicts (2 of 4 stars). 13 submissions from 10 submitters: Benign (6); Likely benign (7). Last evaluated 2025-11-21.

Conditions:
TTN-related disorder. Also called: TTN-related condition; TTN-related disease; TTN-related disorders.
Dilated cardiomyopathy 1G (CMD1G). Identifiers: Orphanet 154, MedGen C1858763, MONDO:0011400, OMIM 604145.
Autosomal recessive limb-girdle muscular dystrophy type 2J (LGMDR10). Also called: Limb-girdle muscular dystrophy, type 2J; MUSCULAR DYSTROPHY, LIMB-GIRDLE, AUTOSOMAL RECESSIVE 10. Identifiers: Orphanet 140922, MedGen C1837342, MONDO:0012127, OMIM 608807.
Early-onset myopathy with fatal cardiomyopathy (CMYO5). Also called: Salih Myopathy; CONGENITAL MYOPATHY 5 WITH CARDIOMYOPATHY. Identifiers: Orphanet 289377, MedGen C2673677, MONDO:0012714, OMIM 611705. Disease mechanism: loss of function.
Hypertrophic cardiomyopathy 9. Also called: Familial hypertrophic cardiomyopathy 9. Identifiers: MedGen C1861065, MONDO:0013412, OMIM 613765.
Tibial muscular dystrophy (TMD). Also called: UDD MYOPATHY; Tibial muscular dystrophy, tardive; Udd Distal Myopathy – Tibial Muscular Dystrophy. Identifiers: Orphanet 609, MedGen C1838244, MONDO:0010870, OMIM 600334.
Myopathy, myofibrillar, 9, with early respiratory failure (MFM9). Also called: Hereditary myopathy with early respiratory failure; MYOPATHY, PROXIMAL, WITH EARLY RESPIRATORY MUSCLE INVOLVEMENT; Myopathy, distal, with early respiratory failure, autosomal dominant; EDSTROM MYOPATHY. Identifiers: Orphanet 178464, Orphanet 34521, MedGen C1863599, MONDO:0011362, OMIM 603689.

Allele frequency attached by ClinVar (database versions not stated): TOPMed 0.00022; gnomAD 0.00024 and 0.00030; ESP Exome Variant Server 0.00026.
gnomAD v4.1: 82 of 1,607,714 alleles (0.0051%); highest among the groups gnomAD compares: African/African-American, 0.09%; no homozygotes.

Submissions (13):

Labcorp Genetics (formerly Invitae), Labcorp
Classification: Likely benign for Dilated cardiomyopathy 1G; Autosomal recessive limb-girdle muscular dystrophy type 2J. Last evaluated: 2025-11-21. Review status: criteria provided, single submitter. Criteria: Invitae Variant Classification Sherloc (09022015). Collection method: clinical testing. Allele origin: germline.

PreventionGenetics, part of Exact Sciences
Classification: Likely benign for TTN-related condition. Last evaluated: 2025-07-23. Review status: criteria provided, single submitter. Criteria: ACMG Guidelines, 2015. Collection method: clinical testing. Allele origin: germline.
Comment: This variant is classified as likely benign based on ACMG/AMP sequence variant interpretation guidelines (Richards et al. 2015 PMID: 25741868, with internal and published modifications).

Blueprint Genetics
Classification: Likely benign. Last evaluated: 2024-04-15. Review status: criteria provided, single submitter. Criteria: ACMG Guidelines, 2015. Collection method: clinical testing. Allele origin: germline.

Women's Health and Genetics/Laboratory Corporation of America, LabCorp
Classification: Likely benign. Last evaluated: 2023-04-26. Review status: criteria provided, single submitter. Criteria: LabCorp Variant Classification Summary - May 2015. Collection method: clinical testing. Allele origin: germline.

Fulgent Genetics
Classification: Likely benign for Tibial muscular dystrophy; Myopathy, myofibrillar, 9, with early respiratory failure; Dilated cardiomyopathy 1G; Autosomal recessive limb-girdle muscular dystrophy type 2J; Early-onset myopathy with fatal cardiomyopathy; Hypertrophic cardiomyopathy 9. Last evaluated: 2021-09-25. Review status: criteria provided, single submitter. Criteria: ACMG Guidelines, 2015. Collection method: clinical testing. Allele origin: unknown.

Genome-Nilou Lab
Classification: Benign for Autosomal recessive limb-girdle muscular dystrophy type 2J. Last evaluated: 2021-09-10. Review status: criteria provided, single submitter. Criteria: ACMG Guidelines, 2015. Collection method: clinical testing. Allele origin: germline. Affected: no.

Genome-Nilou Lab
Classification: Benign for Myopathy, myofibrillar, 9, with early respiratory failure. Last evaluated: 2021-09-10. Review status: criteria provided, single submitter. Criteria: ACMG Guidelines, 2015. Collection method: clinical testing. Allele origin: germline. Affected: no.

Genome-Nilou Lab
Classification: Benign for Early-onset myopathy with fatal cardiomyopathy. Last evaluated: 2021-09-10. Review status: criteria provided, single submitter. Criteria: ACMG Guidelines, 2015. Collection method: clinical testing. Allele origin: germline. Affected: no.

Genome-Nilou Lab
Classification: Benign for Tibial muscular dystrophy. Last evaluated: 2021-09-10. Review status: criteria provided, single submitter. Criteria: ACMG Guidelines, 2015. Collection method: clinical testing. Allele origin: germline. Affected: no.

Athena Diagnostics
Classification: Benign. Last evaluated: 2020-11-10. Review status: criteria provided, single submitter. Criteria: Athena Diagnostics criteria. Collection method: clinical testing. Allele origin: unknown.

GeneDx
Classification: Benign. Last evaluated: 2015-10-09. Review status: criteria provided, single submitter. Criteria: GeneDx Variant Classification (06012015). Collection method: clinical testing. Allele origin: germline. Affected: yes.
Comment: This variant is considered likely benign or benign based on one or more of the following criteria: it is a conservative change, it occurs at a poorly conserved position in the protein, it is predicted to be benign by multiple in silico algorithms, and/or has population frequency not consistent with disease.

Laboratory for Molecular Medicine, Mass General Brigham Personalized Medicine
Classification: Likely benign. Last evaluated: 2014-12-03. Review status: criteria provided, single submitter. Criteria: LMM Criteria. Collection method: clinical testing. Allele origin: germline. Observed: 1 variant allele.
Comment: p.Pro10585Pro in exon 156 of TTN: This variant is not expected to have clinical significance because it does not alter an amino acid residue, is not located wit hin the splice consensus sequence, and has been identified in 3/3614 African Ame rican chromosomes by the NHLBI Exome sequencing project (n.edu/EVS/; dbSNP rs371945519).

Breakthrough Genomics
Classification: Likely benign. Review status: criteria provided, single submitter. Criteria: ACMG Guidelines, 2015. Collection method: not provided. Allele origin: germline. Inheritance: Autosomal recessive inheritance. Affected: yes.